The following is an entry in ClinVar:

NM_002529.4(NTRK1):c.32G>C (p.Gly11Ala)

Genes: NTRK1 (neurotrophic receptor tyrosine kinase 1; plus strand), LOC129931648 (ATAC-STARR-seq lymphoblastoid silent region 1440; plus strand). Cytogenetic location: 1q23.1.
Variant type: single nucleotide variant.
Coding change: c.32G>C on transcript NM_002529.4 (MANE Select); coding-DNA position 32, G replaced by C.
Protein change: p.Gly11Ala; replaces glycine 11 with alanine.
Molecular consequence: missense variant. On other transcripts: intron variant (1).
Genome position (GRCh38, 1-based): chr1:156,860,966, G>C. VCF-style: chr1-156860966-G-C. GRCh37 (hg19) VCF-style: chr1-156830758-G-C.
Other names: c.32G>C, p.Gly11Ala (NM_001012331.2); c.123-3388G>C (NM_001007792.1); short protein forms G11A.
Identifiers: ClinVar variation 940376 (VCV000940376.3), dbSNP rs994643260, ClinGen allele CA31100980.

ClinVar aggregate classification (germline): Uncertain significance (1 of 4 stars; one submission).

Conditions:
Hereditary insensitivity to pain with anhidrosis (CIPA). Also called: FAMILIAL DYSAUTONOMIA, TYPE II; NEUROPATHY, CONGENITAL SENSORY, WITH ANHIDROSIS; INSENSITIVITY TO PAIN, CONGENITAL, WITH ANHIDROSIS; hereditary sensory and autonomic neuropathy type 4; HSAN Type IV; NTRK1 Congenital Insensitivity to Pain with Anhidrosis. Identifiers: Orphanet 642, MedGen C0020074, MONDO:0009746, OMIM 256800.

Allele frequency attached by ClinVar (database versions not stated): TOPMed below 0.00001; gnomAD 0.00001; gnomAD exomes 0.00001.
gnomAD v4.1: 2 of 1,513,714 alleles (0.00013%); highest among the groups gnomAD compares: Admixed American, 0.0041%; no homozygotes.

Submission:

Labcorp Genetics (formerly Invitae), Labcorp
Classification: Uncertain significance for Hereditary insensitivity to pain with anhidrosis. Last evaluated: 2021-08-26. Review status: criteria provided, single submitter. Criteria: Invitae Variant Classification Sherloc (09022015). Collection method: clinical testing. Allele origin: germline.
Comment: This sequence change replaces glycine with alanine at codon 11 of the NTRK1 protein (p.Gly11Ala). The glycine residue is moderately conserved and there is a small physicochemical difference between glycine and alanine. The frequency data for this variant in the population databases is considered unreliable, as metrics indicate insufficient coverage at this position in the ExAC database. This variant has not been reported in the literature in individuals affected with NTRK1-related conditions. Algorithms developed to predict the effect of missense changes on protein structure and function (SIFT, PolyPhen-2, Align-GVGD) all suggest that this variant is likely to be tolerated. In summary, the available evidence is currently insufficient to determine the role of this variant in disease. Therefore, it has been classified as a Variant of Uncertain Significance.